The following is an entry in ClinVar:

NM_031935.3(HMCN1):c.1637C>T (p.Ala546Val)

Gene: HMCN1 (hemicentin 1; plus strand). Cytogenetic location: 1q31.1.
Variant type: single nucleotide variant.
Coding change: c.1637C>T on transcript NM_031935.3 (MANE Select); coding-DNA position 1637, C replaced by T.
Protein change: p.Ala546Val; replaces alanine 546 with valine.
Molecular consequence: missense variant.
Genome position (GRCh38, 1-based): chr1:185,933,633, C>T. VCF-style: chr1-185933633-C-T. GRCh37 (hg19) VCF-style: chr1-185902765-C-T.
Other names: c.1637C>T (NM_031935.2); short protein forms A546V.
Identifiers: ClinVar variation 2988587 (VCV002988587.4), dbSNP rs753767956, ClinGen allele CA1291176.

ClinVar aggregate classification (germline): Uncertain significance. Review status: criteria provided, multiple submitters, no conflicts (2 of 4 stars). 2 submissions from 2 submitters: Uncertain significance (2). Last evaluated 2024-04-09.

Allele frequency attached by ClinVar (database versions not stated): TOPMed 0.00001; gnomAD 0.00003.
gnomAD v4.1: 28 of 1,613,810 alleles (0.0017%); highest among the groups gnomAD compares: Middle Eastern, 0.016%; no homozygotes.

Submissions (2):

Ambry Genetics
Classification: Uncertain significance. Last evaluated: 2024-04-09. Review status: criteria provided, single submitter. Criteria: Ambry Variant Classification Scheme 2023. Collection method: clinical testing. Allele origin: germline.

Labcorp Genetics (formerly Invitae), Labcorp
Classification: Uncertain significance. Last evaluated: 2023-11-28. Review status: criteria provided, single submitter. Criteria: Invitae Variant Classification Sherloc (09022015). Collection method: clinical testing. Allele origin: germline.
Comment: This sequence change replaces alanine, which is neutral and non-polar, with valine, which is neutral and non-polar, at codon 546 of the HMCN1 protein (p.Ala546Val). This variant is present in population databases (rs753767956, gnomAD 0.01%). This variant has not been reported in the literature in individuals affected with HMCN1-related conditions. Algorithms developed to predict the effect of missense changes on protein structure and function output the following: SIFT: "Not Available"; PolyPhen-2: "Benign"; Align-GVGD: "Not Available". The valine amino acid residue is found in multiple mammalian species, which suggests that this missense change does not adversely affect protein function. In summary, the available evidence is currently insufficient to determine the role of this variant in disease. Therefore, it has been classified as a Variant of Uncertain Significance.